The following is an entry in ClinVar:

ClinVar aggregate classification (germline): Uncertain significance (1 of 4 stars; one submission).

Conditions:
H syndrome. Also called: HISTIOCYTOSIS AND LYMPHADENOPATHY WITH OR WITHOUT CUTANEOUS, CARDIAC, AND/OR ENDOCRINE FEATURES, JOINT CONTRACTURES, AND/OR DEAFNESS; HYPERPIGMENTATION, CUTANEOUS, WITH HYPERTRICHOSIS, HEPATOSPLENOMEGALY, HEART ANOMALIES, AND HYPOGONADISM WITH OR WITHOUT HEARING LOSS; PIGMENTED HYPERTRICHOSIS WITH INSULIN-DEPENDENT DIABETES MELLITUS; ROSAI-DORFMAN DISEASE, FAMILIAL; SINUS HISTIOCYTOSIS AND MASSIVE LYMPHADENOPATHY; Hyperpigmentation, Cutaneous, with Hypertrichosis, Hepatosplenomegaly, Heart Anomalies, Hearing Loss, and Hypogonadism. Identifiers: Orphanet 168569, MedGen C1864445, MONDO:0011273, OMIM 602782.

Submission:

Labcorp Genetics (formerly Invitae), Labcorp
Classification: Uncertain significance for H syndrome. Last evaluated: 2024-05-09. Review status: criteria provided, single submitter. Criteria: Invitae Variant Classification Sherloc (09022015). Collection method: clinical testing. Allele origin: germline.
Comment: This sequence change replaces glycine, which is neutral and non-polar, with glutamic acid, which is acidic and polar, at codon 209 of the SLC29A3 protein (p.Gly209Glu). This variant is not present in population databases (gnomAD no frequency). This variant has not been reported in the literature in individuals affected with SLC29A3-related conditions. Advanced modeling of protein sequence and biophysical properties (such as structural, functional, and spatial information, amino acid conservation, physicochemical variation, residue mobility, and thermodynamic stability) performed at Invitae indicates that this missense variant is not expected to disrupt SLC29A3 protein function with a negative predictive value of 80%. In summary, the available evidence is currently insufficient to determine the role of this variant in disease. Therefore, it has been classified as a Variant of Uncertain Significance.

NM_018344.6(SLC29A3):c.626G>A (p.Gly209Glu)

Gene: SLC29A3 (solute carrier family 29 member 3; plus strand). Cytogenetic location: 10q22.1.
Variant type: single nucleotide variant.
Coding change: c.626G>A on transcript NM_018344.6 (MANE Select); coding-DNA position 626, G replaced by A.
Protein change: p.Gly209Glu; replaces glycine 209 with glutamic acid.
Molecular consequence: missense variant. On other transcripts: non-coding transcript variant (2).
Genome position (GRCh38, 1-based): chr10:71,356,096, G>A. VCF-style: chr10-71356096-G-A. GRCh37 (hg19) VCF-style: chr10-73115853-G-A.
Other names: c.626G>A, p.Gly209Glu (NM_001174098.2); c.392G>A, p.Gly131Glu (NM_001363518.2); short protein forms G209E, G131E.
Identifiers: ClinVar variation 3668172 (VCV003668172.2).